The following is an entry in ClinVar:

ClinVar aggregate classification (germline): Uncertain significance (1 of 4 stars; one submission).

Conditions:
Hypertrophic cardiomyopathy. Also called: HYPERTROPHIC MYOCARDIOPATHY. Identifiers: Orphanet 217569, MedGen C0007194, MeSH D002312, MONDO:0005045, HP:0001639.

Submission:

All of Us Research Program, National Institutes of Health
Classification: Uncertain significance for Hypertrophic cardiomyopathy. Last evaluated: 2023-02-15. Review status: criteria provided, single submitter. Criteria: ACMG Guidelines, 2015. Collection method: clinical testing. Allele origin: germline. Inheritance: Autosomal dominant inheritance. Observed: 1 variant allele, 1 heterozygote.
Comment: This missense variant replaces isoleucine with leucine at codon 659 of the MYBPC3 protein. Computational prediction suggests that this variant may not impact protein structure and function (internally defined REVEL score threshold <= 0.5, PMID: 27666373). To our knowledge, functional studies have not been reported for this variant. This variant has not been reported in individuals affected with cardiovascular disorders in the literature. This variant has not been identified in the general population by the Genome Aggregation Database (gnomAD). The available evidence is insufficient to determine the role of this variant in disease conclusively. Therefore, this variant is classified as a Variant of Uncertain Significance.

This study involves interpretation of variants in research participants for the purpose of population health screening. Participant phenotype was not available at the time of variant classification. Additional details can be found in publication PMID: 35346344, PMCID: PMC8962531

NM_000256.3(MYBPC3):c.1975A>C (p.Ile659Leu)

Gene: MYBPC3 (myosin binding protein C3; minus strand). Cytogenetic location: 11p11.2.
Variant type: single nucleotide variant.
Coding change: c.1975A>C on transcript NM_000256.3 (MANE Select); coding-DNA position 1975, A replaced by C.
Protein change: p.Ile659Leu; replaces isoleucine 659 with leucine.
Molecular consequence: missense variant.
Genome position (GRCh38, 1-based): chr11:47,339,743, T>G on the plus strand (A>C on the coding strand, the complement: MYBPC3 is on the minus strand). VCF-style: chr11-47339743-T-G. GRCh37 (hg19) VCF-style: chr11-47361294-T-G.
Other names: short protein forms I659L.
Identifiers: ClinVar variation 3069381 (VCV003069381.1), dbSNP rs2495756350, ClinGen allele CA380321826.